The following is an entry in ClinVar:

ClinVar aggregate classification (germline): Conflicting classifications of pathogenicity. Review status: criteria provided, conflicting classifications (1 of 4 stars). 2 submissions from 2 submitters: Uncertain significance (1); Likely benign (1). Last evaluated 2025-11-01.

Allele frequency attached by ClinVar (database versions not stated): gnomAD 0.00011 and 0.00015; TOPMed 0.00014; ExAC 0.00034; gnomAD exomes 0.00035; 1000 Genomes Project 0.00060; 1000 Genomes Project 30x 0.00094.
gnomAD v4.1: 131 of 1,609,666 alleles (0.0081%); highest among the groups gnomAD compares: East Asian, 0.16%; no homozygotes.

Submissions (2):

CeGaT Center for Human Genetics Tuebingen
Classification: Uncertain significance. Last evaluated: 2025-11-01. Review status: criteria provided, single submitter. Criteria: CeGaT Center For Human Genetics Tuebingen Variant Classification Criteria Version 2. Collection method: clinical testing. Allele origin: germline. Affected: yes. Observed: 1 variant allele.
Comment: WASHC4: PM2

Labcorp Genetics (formerly Invitae), Labcorp
Classification: Likely benign. Last evaluated: 2019-12-31. Review status: criteria provided, single submitter. Criteria: Invitae Variant Classification Sherloc (09022015). Collection method: clinical testing. Allele origin: germline.

NM_015275.3(WASHC4):c.179A>G (p.Asn60Ser)

Gene: WASHC4 (WASH complex subunit 4; plus strand). Cytogenetic location: 12q23.3.
Variant type: single nucleotide variant.
Coding change: c.179A>G on transcript NM_015275.3 (MANE Select); coding-DNA position 179, A replaced by G.
Protein change: p.Asn60Ser; replaces asparagine 60 with serine.
Molecular consequence: missense variant.
Genome position (GRCh38, 1-based): chr12:105,111,242, A>G. VCF-style: chr12-105111242-A-G. GRCh37 (hg19) VCF-style: chr12-105505020-A-G.
Other names: c.179A>G, p.Asn60Ser (NM_001293640.2); short protein forms N60S.
Identifiers: ClinVar variation 747204 (VCV000747204.10), dbSNP rs141620718, ClinGen allele CA6758224.